The following is an entry in ClinVar:

ClinVar aggregate classification (germline): Benign (1 of 4 stars; one submission).

Submission:

Laboratory for Molecular Medicine, Mass General Brigham Personalized Medicine
Classification: Benign. Last evaluated: 2016-03-28. Review status: criteria provided, single submitter. Criteria: LMM Criteria. Collection method: clinical testing. Allele origin: germline.
Comment: Variant identified in a genome or exome case(s) and assessed due to predicted null impact of the variant or pathogenic assertions in the literature or databases. Disclaimer: This variant has not undergone full assessment. The following are preliminary notes: Frequency

NM_001352027.3(PHF21A):c.1685-4_1685-3del

Gene: PHF21A (PHD finger protein 21A; minus strand). Cytogenetic location: 11p11.2.
Variant type: Deletion.
Coding change: c.1685-4_1685-3del on transcript NM_001352027.3 (MANE Select); 4 bases into the intron before coding-DNA position 1685 through 3 bases into the intron before coding-DNA position 1685, 2 bases deleted (TT; older notation c.1685-4_1685-3delTT).
Molecular consequence: intron variant.
Genome position (GRCh38, 1-based): chr11:45,935,742-45,935,743, AA deleted on the plus strand (TT on the coding strand, the reverse complement: PHF21A is on the minus strand); deleting any 2 consecutive bases within chr11:45,935,742-45,935,764 gives the same sequence; the c. name uses the placement nearest the transcript's 3' end. VCF-style (leftmost placement, unchanged base first): chr11-45935741-TAA-T. GRCh37 (hg19) VCF-style: chr11-45957292-TAA-T.
Other names: c.1541-4_1541-3del (NM_001352030.3, NM_001352031.3, NM_001352032.3); c.1682-4_1682-3del (NM_001101802.3); c.1685-4_1685-3del (NM_001352026.3, NM_001352025.3); c.1544-4_1544-3del (NM_016621.5, NM_001352028.1, NM_001352029.1).
Identifiers: ClinVar variation 403295 (VCV000403295.4), dbSNP rs35995547, ClinGen allele CA5961028.
Genomic context (GRCh38, chr11:45,935,741, plus strand): 5'-TCGTTCTTGTTTTAAATCTGAACTCCATTTAAGTAACTTCTGTTTCTCTTCTTCTTTTGC[TAA>T]AAAAAAAAAAAAAAAAAAAAAGGAACGGTTTTTGACAATTAATTCTTTGAAATGTCCTCT-3'